The following is an entry in ClinVar:

NM_177438.3(DICER1):c.439G>T (p.Val147Phe)

Gene: DICER1 (dicer 1, ribonuclease III; minus strand). Cytogenetic location: 14q32.13.
Variant type: single nucleotide variant.
Coding change: c.439G>T on transcript NM_177438.3 (MANE Select); coding-DNA position 439, G replaced by T.
Protein change: p.Val147Phe; replaces valine 147 with phenylalanine.
Molecular consequence: missense variant.
Genome position (GRCh38, 1-based): chr14:95,130,192, C>A on the plus strand (G>T on the coding strand, the complement: DICER1 is on the minus strand). VCF-style: chr14-95130192-C-A. GRCh37 (hg19) VCF-style: chr14-95596529-C-A.
Other names: c.439G>T, p.Val147Phe (NM_001195573.1, NM_001271282.3, NM_001291628.2 and 1 more transcripts); short protein forms V147F.
Identifiers: ClinVar variation 571416 (VCV000571416.13), dbSNP rs1566811995, ClinGen allele CA390888616.

ClinVar aggregate classification (germline): Uncertain significance. Review status: criteria provided, multiple submitters, no conflicts (2 of 4 stars). 2 submissions from 2 submitters: Uncertain significance (2). Last evaluated 2025-09-29.

Conditions:
Hereditary cancer-predisposing syndrome. Also called: Hereditary neoplastic syndrome; Neoplastic Syndromes, Hereditary; Hereditary Cancer Syndrome; Tumor predisposition. Identifiers: Orphanet 140162, MedGen C0027672, MeSH D009386, MONDO:0015356.
DICER1-related tumor predisposition. Also called: DICER1 syndrome; DICER1-related pleuropulmonary blastoma cancer predisposition syndrome. Identifiers: Orphanet 284343, MedGen C3839822, MONDO:0100216.

gnomAD v4.1: 1 of 1,611,864 alleles (0.000062%); highest among the groups gnomAD compares: Non-Finnish European, 0.000085%; no homozygotes.

Submissions (2):

Ambry Genetics
Classification: Uncertain significance for Hereditary cancer-predisposing syndrome. Last evaluated: 2025-09-29. Review status: criteria provided, single submitter. Criteria: Ambry Variant Classification Scheme 2023. Collection method: clinical testing. Allele origin: germline.
Comment: The p.V147F variant (also known as c.439G>T), located in coding exon 4 of the DICER1 gene, results from a G to T substitution at nucleotide position 439. This variant impacts the first base pair of coding exon 4. The valine at codon 147 is replaced by phenylalanine, an amino acid with highly similar properties. This amino acid position is highly conserved in available vertebrate species. In addition, this alteration is predicted to be deleterious by in silico analysis. Based on the available evidence, the clinical significance of this variant remains unclear.

Labcorp Genetics (formerly Invitae), Labcorp
Classification: Uncertain significance for DICER1-related tumor predisposition. Last evaluated: 2024-01-21. Review status: criteria provided, single submitter. Criteria: Invitae Variant Classification Sherloc (09022015). Collection method: clinical testing. Allele origin: germline.
Comment: This sequence change replaces valine, which is neutral and non-polar, with phenylalanine, which is neutral and non-polar, at codon 147 of the DICER1 protein (p.Val147Phe). This variant is not present in population databases (gnomAD no frequency). This variant has not been reported in the literature in individuals affected with DICER1-related conditions. ClinVar contains an entry for this variant (Variation ID: 571416). An algorithm developed to predict the effect of missense changes on protein structure and function (PolyPhen-2) suggests that this variant is likely to be disruptive. In summary, the available evidence is currently insufficient to determine the role of this variant in disease. Therefore, it has been classified as a Variant of Uncertain Significance.